The following is an entry in ClinVar:

ClinVar aggregate classification (germline): Pathogenic (1 of 4 stars; one submission).

Conditions:
Fanconi anemia (FA). Also called: Fanconi's anemia. Identifiers: Orphanet 84, MedGen C0015625, MeSH D005199, MONDO:0019391.

Submission:

Labcorp Genetics (formerly Invitae), Labcorp
Classification: Pathogenic for Fanconi anemia. Last evaluated: 2022-09-19. Review status: criteria provided, single submitter. Criteria: Invitae Variant Classification Sherloc (09022015). Collection method: clinical testing. Allele origin: germline.
Comment: This variant is a gross deletion of the genomic region encompassing exon(s) 4 of the FANCC gene. This deletion is out-of-frame, and is expected to create a premature termination codon and result in an absent or disrupted protein product. Loss-of-function variants in FANCC are known to be pathogenic (PMID: 17924555). This variant has not been reported in the literature in individuals affected with FANCC-related conditions. For these reasons, this variant has been classified as Pathogenic.

Literature cited by the submitters: PubMed 17924555.

NC_000009.12:g.(?_95240639)_(95240753_?)del

Gene: FANCC (FA complementation group C; minus strand). Cytogenetic location: 9q22.32.
Variant type: Deletion.
Identifiers: ClinVar variation 830403 (VCV000830403.5).